The following is an entry in ClinVar:

ClinVar aggregate classification (germline): Uncertain significance (1 of 4 stars; one submission).

Conditions:
COL4A2-related disorder. Also called: COL4A2-related disorders; COL4A2-related condition.

Submission:

PreventionGenetics, part of Exact Sciences
Classification: Uncertain significance for COL4A2-related condition. Last evaluated: 2026-06-18. Review status: criteria provided, single submitter. Criteria: ACMG Guidelines, 2015. Collection method: clinical testing. Allele origin: germline.
Comment: The COL4A2 c.130G>A variant is predicted to result in the amino acid substitution p.Gly44Arg. To our knowledge, this variant has not been reported in the literature. Glycine amino acid substitutions within the collagen triple helix repeat domain of the COL4A2 protein (Amino acids 184-1484 (Uniprot) are a frequent cause of COL4A2-related disease (Fidler et al. 2018. PubMed ID: 29632050). However, the p.Gly44Arg substitution resides outside of the collagen triple helix repeat domain. This variant is reported in 0.0010% of alleles in individuals of European (non-Finnish) descent in gnomAD. At this time, the clinical significance of this variant is uncertain due to the absence of conclusive functional and genetic evidence.

NM_001846.4(COL4A2):c.130G>A (p.Gly44Arg)

Gene: COL4A2 (collagen type IV alpha 2 chain; plus strand). Cytogenetic location: 13q34.
Variant type: single nucleotide variant.
Coding change: c.130G>A on transcript NM_001846.4 (MANE Select); coding-DNA position 130, G replaced by A.
Protein change: p.Gly44Arg; replaces glycine 44 with arginine.
Molecular consequence: missense variant.
Genome position (GRCh38, 1-based): chr13:110,357,502, G>A. VCF-style: chr13-110357502-G-A. GRCh37 (hg19) VCF-style: chr13-111009849-G-A.
Other names: short protein forms G44R.
Identifiers: ClinVar variation 4981546 (VCV004981546.1).